The following is an entry in ClinVar:

ClinVar aggregate classification (germline): Uncertain significance. Review status: criteria provided, multiple submitters, no conflicts (2 of 4 stars). 3 submissions from 3 submitters: Uncertain significance (2). 1 of the submissions does not count toward it. Last evaluated 2026-02-09.

Conditions:
Cystic fibrosis (CF). Also called: MUCOVISCIDOSIS. Identifiers: Orphanet 586, MedGen C0010674, MONDO:0009061, OMIM 219700. Disease mechanism: loss of function.

Allele frequency attached by ClinVar (database versions not stated): gnomAD exomes below 0.00001; gnomAD 0.00001; TOPMed below 0.00001; ExAC 0.00001.
gnomAD v4.1: 3 of 1,613,936 alleles (0.00019%); highest among the groups gnomAD compares: Non-Finnish European, 0.00025%; no homozygotes.

Submissions (3):

Women's Health and Genetics/Laboratory Corporation of America, LabCorp
Classification: Uncertain significance. Last evaluated: 2026-02-09. Review status: criteria provided, single submitter. Criteria: LabCorp Variant Classification Summary - May 2015. Collection method: clinical testing. Allele origin: germline.
Comment: Variant summary: CFTR c.2815C>G (p.His939Asp) results in a non-conservative amino acid change located in the ABC transporter type 1, transmembrane domain (IPR011527) of the encoded protein sequence. Algorithms developed to predict the effect of missense changes on protein structure and function all suggest that this variant is likely to be disruptive. The variant allele was found at a frequency of 4e-06 in 251404 control chromosomes. The available data on variant occurrences in the general population are insufficient to allow any conclusion about variant significance. c.2815C>G has been observed in individual(s) affected with Cystic Fibrosis (CF)-screening positive inconclusive diagnosis (Castaldo_2020). These report(s) do not provide unequivocal conclusions about association of the variant with Cystic Fibrosis. At least one publication reports experimental evidence evaluating an impact on protein function, however, does not allow convincing conclusions about the variant effect (Carveth_2002). The following publications have been ascertained in the context of this evaluation (PMID: 12186867, 32784480). ClinVar contains an entry for this variant (Variation ID: 53572). Based on the evidence outlined above, the variant was classified as uncertain significance.

Department of Pathology and Laboratory Medicine, Sinai Health System
Classification: Uncertain significance for cystic fibrosis. Last evaluated: 2021-10-14. Review status: criteria provided, single submitter. Criteria: ACMG Guidelines, 2015. Collection method: research. Allele origin: germline.

Counsyl
Classification: Uncertain significance for Cystic fibrosis. Last evaluated: 2017-08-18. Review status: no assertion criteria provided. Collection method: clinical testing. Allele origin: unknown. Not counted in ClinVar's aggregate classification.

Literature cited by the submitters: PubMed 12186867 (cited by Women's Health and Genetics/Laboratory Corporation of America, LabCorp); PubMed 32784480 (cited by Women's Health and Genetics/Laboratory Corporation of America, LabCorp); PubMed 10923036 (cited by Counsyl).

NM_000492.4(CFTR):c.2815C>G (p.His939Asp)

Gene: CFTR (CF transmembrane conductance regulator; plus strand). Cytogenetic location: 7q31.2.
Variant type: single nucleotide variant.
Coding change: c.2815C>G on transcript NM_000492.4 (MANE Select); coding-DNA position 2815, C replaced by G.
Protein change: p.His939Asp; replaces histidine 939 with aspartic acid.
Molecular consequence: missense variant.
Genome position (GRCh38, 1-based): chr7:117,603,689, C>G. VCF-style: chr7-117603689-C-G. GRCh37 (hg19) VCF-style: chr7-117243743-C-G.
Other names: short protein forms H939D.
Identifiers: ClinVar variation 53572 (VCV000053572.5), dbSNP rs397508439, ClinGen allele CA326933.
Genomic context (GRCh38, chr7:117,603,689, plus strand): 5'-TACGTGGGAGTAGCCGACACTTTGCTTGCTATGGGATTCTTCAGAGGTCTACCACTGGTG[C>G]ATACTCTAATCACAGTGTCGAAAATTTTACACCACAAAATGTTACATTCTGTTCTTCAAG-3'
Protein context (NP_000483.3, residues 929-949): MGFFRGLPLV[His939Asp]TLITVSKILH